The following is an entry in ClinVar:

ClinVar aggregate classification (germline): Likely benign. Review status: criteria provided, multiple submitters, no conflicts (2 of 4 stars). 3 submissions from 3 submitters: Likely benign (2). 1 of the submissions does not count toward it. Last evaluated 2024-08-13.

Conditions:
D-2-hydroxyglutaric aciduria 1 (D2HGA1). Identifiers: Orphanet 79315, MedGen C3152055, MONDO:0024554, OMIM 600721.
D2HGDH-related disorder. Also called: D2HGDH-related condition.

Allele frequency attached by ClinVar (database versions not stated): gnomAD 0.00001; gnomAD exomes 0.00001; ExAC 0.00002; TOPMed 0.00002; 1000 Genomes Project 0.00020; 1000 Genomes Project 30x 0.00031.
gnomAD v4.1: 22 of 1,613,096 alleles (0.0014%); highest among the groups gnomAD compares: Middle Eastern, 0.033%; no homozygotes.

Submissions (3):

Blueprint Genetics
Classification: Likely benign. Last evaluated: 2024-08-13. Review status: criteria provided, single submitter. Criteria: ACMG Guidelines, 2015. Collection method: clinical testing. Allele origin: germline.

Labcorp Genetics (formerly Invitae), Labcorp
Classification: Likely benign for D-2-hydroxyglutaric aciduria 1. Last evaluated: 2023-10-13. Review status: criteria provided, single submitter. Criteria: Invitae Variant Classification Sherloc (09022015). Collection method: clinical testing. Allele origin: germline.

PreventionGenetics, part of Exact Sciences
Classification: Likely benign for D2HGDH-related condition. Last evaluated: 2019-12-09. Review status: no assertion criteria provided. Collection method: clinical testing. Allele origin: germline. Not counted in ClinVar's aggregate classification.
Comment: This variant is classified as likely benign based on ACMG/AMP sequence variant interpretation guidelines (Richards et al. 2015 PMID: 25741868, with internal and published modifications).

NM_152783.5(D2HGDH):c.1206C>T (p.Tyr402=)

Gene: D2HGDH (D-2-hydroxyglutarate dehydrogenase; plus strand). Cytogenetic location: 2q37.3.
Variant type: single nucleotide variant.
Coding change: c.1206C>T on transcript NM_152783.5 (MANE Select); coding-DNA position 1206, C replaced by T.
Protein change: p.Tyr402=; no amino-acid change (tyrosine 402 retained).
Molecular consequence: synonymous variant. On other transcripts: non-coding transcript variant (1).
Genome position (GRCh38, 1-based): chr2:241,755,914, C>T. VCF-style: chr2-241755914-C-T. GRCh37 (hg19) VCF-style: chr2-242695329-C-T.
Other names: c.1206C>T (NM_152783.4); c.804C>T, p.Tyr268= (NM_001287249.2); c.645C>T, p.Tyr215= (NM_001352824.2).
Identifiers: ClinVar variation 2896905 (VCV002896905.5), dbSNP rs547293002, ClinGen allele CA2222119.